The following is an entry in ClinVar:

NM_000059.4(BRCA2):c.7786G>C (p.Gly2596Arg)

Gene: BRCA2 (BRCA2 DNA repair associated; plus strand). Cytogenetic location: 13q13.1.
Variant type: single nucleotide variant.
Coding change: c.7786G>C on transcript NM_000059.4 (MANE Select); coding-DNA position 7786, G replaced by C.
Protein change: p.Gly2596Arg; replaces glycine 2596 with arginine.
Molecular consequence: missense variant.
Genome position (GRCh38, 1-based): chr13:32,357,910, G>C. VCF-style: chr13-32357910-G-C. GRCh37 (hg19) VCF-style: chr13-32932047-G-C.
Other names: short protein forms G2596R.
Identifiers: ClinVar variation 995946 (VCV000995946.1), dbSNP rs398122591, ClinGen allele CA387746004.

ClinVar aggregate classification (germline): Likely pathogenic (1 of 4 stars; one submission).

Conditions:
Hereditary breast ovarian cancer syndrome. Also called: Hereditary breast and ovarian cancer; Hereditary breast and ovarian cancer syndrome; Breast and ovarian cancer; BRCA1- and BRCA2-Associated Hereditary Breast and Ovarian Cancer; Hereditary breast and/or ovarian cancer syndrome; Hereditary breast and ovarian cancer syndrome (HBOC). Identifiers: Orphanet 145, MedGen C0677776, MeSH D061325, MONDO:0003582. Disease mechanism: loss of function.

Submission:

Cancer Variant Interpretation Group UK, Institute of Cancer Research, London
Classification: Likely pathogenic for Hereditary Breast and Ovarian Cancer. Last evaluated: 2018-11-19. Review status: criteria provided, single submitter. Criteria: ACMG Guidelines, 2015. Collection method: curation. Allele origin: germline.
Comment: Data used in classification: The frequency of this variant is 0/138,632 individuals (gnomAD) (PM2_mod). This variant is predicted deleterious on AlignGVGD (class: C65), SIFT (Deleterious), Polyphen2 HumVar (probably damaging) and CADD (23.8) (PP3_sup). The variant is in the DNA-binding domain of BRCA2 (PM1_sup). In the VarCall Bayesian statistical model for VUS classification using functional assay data (Guidugli et al Am J Hum Genet 2018; 102:233-248, Couch Lab), the variant has a probability of being deleterious of 0.988 and an overall classification of pathogenic. (PS3_strong). Data not used in classification: There are no additional reports of this variant in ClinVar, BRCA2 LOVD, or BIC. There are 7 classifications of variant c.7786G>A p.Gly2596Arg (same amino acid change) on ClinVar as Uncertain Significance.

Literature cited by the submitters: PubMed 29394989.